The following is an entry in ClinVar:

NM_032608.7(MYO18B):c.2462G>A (p.Arg821Gln)

Gene: MYO18B (myosin XVIIIB; plus strand). Cytogenetic location: 22q12.1.
Variant type: single nucleotide variant.
Coding change: c.2462G>A on transcript NM_032608.7 (MANE Select); coding-DNA position 2462, G replaced by A.
Protein change: p.Arg821Gln; replaces arginine 821 with glutamine.
Molecular consequence: missense variant.
Genome position (GRCh38, 1-based): chr22:25,798,038, G>A. VCF-style: chr22-25798038-G-A. GRCh37 (hg19) VCF-style: chr22-26194005-G-A.
Other names: c.2462G>A, p.Arg821Gln (NM_001318245.2); short protein forms R821Q.
Identifiers: ClinVar variation 1925650 (VCV001925650.3), dbSNP rs772893371, ClinGen allele CA10160175.

ClinVar aggregate classification (germline): Uncertain significance (1 of 4 stars; one submission).

Allele frequency attached by ClinVar (database versions not stated): ExAC 0.00003; gnomAD 0.00003.
gnomAD v4.1: 33 of 1,612,880 alleles (0.002%); highest among the groups gnomAD compares: South Asian, 0.0055%; no homozygotes.

Submission:

Labcorp Genetics (formerly Invitae), Labcorp
Classification: Uncertain significance. Last evaluated: 2023-07-10. Review status: criteria provided, single submitter. Criteria: Invitae Variant Classification Sherloc (09022015). Collection method: clinical testing. Allele origin: germline.
Comment: In summary, the available evidence is currently insufficient to determine the role of this variant in disease. Therefore, it has been classified as a Variant of Uncertain Significance. Algorithms developed to predict the effect of missense changes on protein structure and function output the following: SIFT: "Not Available"; PolyPhen-2: "Benign"; Align-GVGD: "Not Available". The glutamine amino acid residue is found in multiple mammalian species, which suggests that this missense change does not adversely affect protein function. ClinVar contains an entry for this variant (Variation ID: 1925650). This variant has not been reported in the literature in individuals affected with MYO18B-related conditions. This variant is present in population databases (rs772893371, gnomAD 0.01%). This sequence change replaces arginine, which is basic and polar, with glutamine, which is neutral and polar, at codon 821 of the MYO18B protein (p.Arg821Gln).